The following is an entry in ClinVar:

ClinVar aggregate classification (germline): Conflicting classifications of pathogenicity. Review status: criteria provided, conflicting classifications (1 of 4 stars). 4 submissions from 3 submitters: Uncertain significance (1); Likely benign (3). Last evaluated 2023-08-01.

Conditions:
SMARCB1-related schwannomatosis. Also called: Schwannomatosis 1; SWNTS1. Identifiers: Orphanet 93921, MedGen C4048809, MONDO:0024517, OMIM 162091. Disease mechanism: loss of function.
Rhabdoid tumor predisposition syndrome 1 (RTPS1). Also called: Familial Posterior Fossa Brain Tumor of Infancy. Identifiers: Orphanet 231108, Orphanet 69077, MedGen C1836327, MONDO:0012252, OMIM 609322.

Allele frequency attached by ClinVar (database versions not stated): ESP Exome Variant Server 0.00008; gnomAD 0.00009; gnomAD exomes 0.00009 and 0.00011; TOPMed 0.00011; 1000 Genomes Project 30x 0.00016; ExAC 0.00018; 1000 Genomes Project 0.00020.

Submissions (4):

CeGaT Center for Human Genetics Tuebingen
Classification: Likely benign. Last evaluated: 2023-08-01. Review status: criteria provided, single submitter. Criteria: CeGaT Center For Human Genetics Tuebingen Variant Classification Criteria Version 2. Collection method: clinical testing. Allele origin: germline. Affected: yes. Observed: 2 variant alleles.
Comment: SMARCB1: BS1

GeneDx
Classification: Uncertain significance. Last evaluated: 2023-07-24. Review status: criteria provided, single submitter. Criteria: GeneDx Variant Classification Process June 2021. Collection method: clinical testing. Allele origin: germline. Affected: yes.
Comment: Nucleotide substitution has no predicted effect on splicing and is not conserved across species; Observed in an individual with schwannomatosis (PMID: 34747535); Published functional studies suggest a damaging effect: decreased transcription in a dual-reporter luciferase assay (PMID: 34747535); This variant is associated with the following publications: (PMID: 34747535)

Illumina Laboratory Services, Illumina
Classification: Likely benign for SMARCB1-related schwannomatosis. Last evaluated: 2018-01-12. Review status: criteria provided, single submitter. Criteria: ICSL Variant Classification Criteria 13 December 2019. Collection method: clinical testing. Allele origin: germline.
Comment: This variant was observed in the ICSL laboratory as part of a predisposition screen in an ostensibly healthy population. It had not been previously curated by ICSL or reported in the Human Gene Mutation Database (HGMD: prior to June 1st, 2018), and was therefore a candidate for classification through an automated scoring system. Utilizing variant allele frequency, disease prevalence and penetrance estimates, and inheritance mode, an automated score was calculated to assess if this variant is too frequent to cause the disease. Based on the score and internal cut-off values, a variant classified as likely benign is not then subjected to further curation. The score for this variant resulted in a classification of likely benign for this disease.

Illumina Laboratory Services, Illumina
Classification: Likely benign for Rhabdoid tumor predisposition syndrome 1. Last evaluated: 2018-01-12. Review status: criteria provided, single submitter. Criteria: ICSL Variant Classification Criteria 13 December 2019. Collection method: clinical testing. Allele origin: germline.
Comment: the same text as in the submission from Illumina Laboratory Services, Illumina above.

NM_003073.5(SMARCB1):c.*17C>T

Gene: SMARCB1 (SWI/SNF related BAF chromatin remodeling complex subunit B1; plus strand). Cytogenetic location: 22q11.23.
Variant type: single nucleotide variant.
Coding change: c.*17C>T on transcript NM_003073.5 (MANE Select); 17 bases downstream of the stop codon, C replaced by T.
Molecular consequence: 3 prime UTR variant.
Genome position (GRCh38, 1-based): chr22:23,834,197, C>T. VCF-style: chr22-23834197-C-T. GRCh37 (hg19) VCF-style: chr22-24176384-C-T.
Other names: c.*17C>T (LRG_520t1, NM_001007468.3, NM_001317946.2 and 1 more transcripts).
Identifiers: ClinVar variation 340918 (VCV000340918.33), dbSNP rs372348692, ClinGen allele CA10146137.
Genomic context (GRCh38, chr22:23,834,197, plus strand): 5'-CCAGGCGGATGAGGCGTCTTGCCAACACGGCCCCGGCCTGGTAACCAGCCCATCAGCACA[C>T]GGCTCCCACGGAGCATCTCAGAAGATTGGGCCGCCTCTCCTCCATCTTCTGGCAAGGACA-3'